The following is an entry in ClinVar:

ClinVar aggregate classification (germline): Benign. Review status: criteria provided, multiple submitters, no conflicts (2 of 4 stars). 5 submissions from 4 submitters: Benign (4). 1 of the submissions does not count toward it. Last evaluated 2026-02-04.

Conditions:
Hereditary spastic paraplegia 28. Also called: Spastic paraplegia 28, autosomal recessive. Identifiers: Orphanet 101008, MedGen C1836295, MONDO:0012256, OMIM 609340.

Submissions (5):

Labcorp Genetics (formerly Invitae), Labcorp
Classification: Benign for Hereditary spastic paraplegia 28. Last evaluated: 2026-02-04. Review status: criteria provided, single submitter. Criteria: Invitae Variant Classification Sherloc (09022015). Collection method: clinical testing. Allele origin: germline.

Genome-Nilou Lab
Classification: Benign for Hereditary spastic paraplegia 28. Last evaluated: 2021-07-30. Review status: criteria provided, single submitter. Criteria: ACMG Guidelines, 2015. Collection method: clinical testing. Allele origin: germline. Affected: no.

GeneDx
Classification: Benign. Last evaluated: 2018-06-11. Review status: criteria provided, single submitter. Criteria: GeneDx Variant Classification Process June 2021. Collection method: clinical testing. Allele origin: germline. Affected: yes.

Mayo Clinic Laboratories, Mayo Clinic
Classification: Benign. Last evaluated: 2017-11-15. Review status: criteria provided, single submitter. Criteria: ACMG Guidelines, 2015. Collection method: clinical testing. Allele origin: germline. Observed: 1,531 variant alleles.

GeneDx
Classification: Benign. Last evaluated: 2016-03-04. Review status: flagged submission. Criteria: GeneDx Variant Classification Process June 2021. Collection method: clinical testing. Allele origin: germline. Affected: yes. Not counted in ClinVar's aggregate classification.
ClinVar note: Reason: This record appears to be redundant with a more recent record from the same submitter.
ClinVar note: Notes: SCV001860188 appears to be redundant with SCV000732734.

NM_001160148.2(DDHD1):c.325GGC[6] (p.Gly111_Gly112dup)

Gene: DDHD1 (DDHD domain containing 1; minus strand). Cytogenetic location: 14q22.1.
Variant type: Microsatellite.
Coding change: c.325GGC[6] on transcript NM_001160148.2 (MANE Select); six copies in a row of the 3-base unit GGC starting at c.325; the reference has four copies in a row; two copies, 6 bases duplicated.
Protein change: p.Gly111_Gly112dup.
Molecular consequence: inframe insertion.
Genome position (GRCh38, 1-based): chr14:53,152,763-53,152,768, GCCGCC duplicated on the plus strand (GGCGGC on the coding strand, the reverse complement: DDHD1 is on the minus strand); duplicating any 6 consecutive bases within chr14:53,152,763-53,152,776 gives the same sequence; the position shown is the placement nearest the transcript's 3' end. VCF-style (leftmost placement, unchanged base first): chr14-53152762-T-TGCCGCC. GRCh37 (hg19) VCF-style: chr14-53619480-T-TGCCGCC.
Other names: p.Gly111_Gly112dup; c.325GGC[6], p.Gly111_Gly112dup (NM_001160147.2, NM_030637.3); c.331_336dup (NM_001160147.1, NM_001160147.2).
Identifiers: ClinVar variation 221131 (VCV000221131.20), dbSNP rs55671452, ClinGen allele CA350363.